The following is an entry in ClinVar:

ClinVar aggregate classification (germline): Pathogenic. Review status: reviewed by expert panel (3 of 4 stars). 3 submissions from 3 submitters: Pathogenic (1). 2 of the submissions do not count toward it. Last evaluated 2025-08-03.

Conditions:
RPGR-related retinopathy. Also called: RPGR retinopathy. Identifiers: MedGen CN305589, MONDO:0100437.
Retinitis pigmentosa (RP). Identifiers: Orphanet 791, MedGen C0035334, MeSH D012174, MONDO:0019200, OMIM 268000. Inheritance: Autosomal dominant, autosomal recessive and X linked inheritance.
Primary ciliary dyskinesia. Also called: Ciliary dyskinesia. Identifiers: Orphanet 244, MedGen C0008780, MONDO:0016575, HP:0012265.

Submissions (3):

ClinGen X-linked Inherited Retinal Disease Variant Curation Expert Panel, ClinGen
Classification: Pathogenic for RPGR-related retinopathy. Last evaluated: 2025-08-03. Review status: reviewed by expert panel. Criteria: ClinGen X LinkedIRD ACMG Specifications RPGR V1.0.0. Collection method: curation. Allele origin: germline. Inheritance: X-linked inheritance.
Comment: NM_001034853.2(RPGR):c.1582_1585del (p.Thr528fs) is a 4-bp deletion variant in exon 14 of 15, which results in a frameshift and premature stop codon after 4 amino acids and is predicted to trigger nonsense-mediated decay (PVS1). This variant is absent from gnomAD v4.1.0 (PM2_Supporting). This variant has been reported in at least 2 apparently unrelated probands meeting one of the PS4 requirements of a male with some functional vision impairment by age 30 years and/or decreased or absent electroretinogram responses, or a female with functional visual abnormality and documentation of a male relative affected with retiniopathy (PMIDs: 33372982, 14564670, PS4_Supporting). In summary, this variant is classified as pathogenic for RPGR-related retinopathy based on the ClinGen X-linked Inherited Retinal Disease Expert Panel Specifications to the ACMG/AMP Variant Interpretation Guidelines for RPGR Version 1.0.0; PVS1, PM2_Supporting, and PS4_Supporting. (date of approval 05/16/2025).

Labcorp Genetics (formerly Invitae), Labcorp
Classification: Pathogenic for Primary ciliary dyskinesia. Last evaluated: 2025-09-07. Review status: criteria provided, single submitter. Criteria: Invitae Variant Classification Sherloc (09022015). Collection method: clinical testing. Allele origin: germline. Not counted in ClinVar's aggregate classification.
Comment: This sequence change creates a premature translational stop signal (p.Thr528Leufs*4) in the RPGR gene. It is expected to result in an absent or disrupted protein product. Loss-of-function variants in RPGR are known to be pathogenic (PMID: 16055928, 16969763). This variant is not present in population databases (gnomAD no frequency). This variant has not been reported in the literature in individuals affected with RPGR-related conditions. ClinVar contains an entry for this variant (Variation ID: 1297114). For these reasons, this variant has been classified as Pathogenic.

Broad Center for Mendelian Genomics, Broad Institute of MIT and Harvard
Classification: Likely pathogenic for Retinitis pigmentosa. Last evaluated: 2021-04-01. Review status: criteria provided, single submitter. Criteria: ACMG Guidelines, 2015. Collection method: curation. Allele origin: germline. Inheritance: X-linked inheritance. Affected: yes. Not counted in ClinVar's aggregate classification.
Comment: Through a review of available evidence we were able to apply the following criteria: PVS1, PM2. Based on this evidence we have classified this variant as Likely Pathogenic. If you have any questions about the classification please reach out to the Pierce Lab.

Literature cited by the submitters: PubMed 16055928 (cited by Labcorp Genetics (formerly Invitae), Labcorp); PubMed 16969763 (cited by Labcorp Genetics (formerly Invitae), Labcorp); PubMed 34906470 (cited by Broad Center for Mendelian Genomics, Broad Institute of MIT and Harvard).

NM_001034853.2(RPGR):c.1582_1585del (p.Thr528fs)

Gene: RPGR (retinitis pigmentosa GTPase regulator; minus strand). Cytogenetic location: Xp11.4.
Variant type: Microsatellite.
Coding change: c.1582_1585del on transcript NM_001034853.2 (MANE Select); coding-DNA positions 1582 to 1585, 4 bases deleted (ACAA; older notation c.1582_1585delACAA).
Protein change: p.Thr528fs; shifts the reading frame from threonine 528.
Molecular consequence: frameshift variant. On other transcripts: non-coding transcript variant (1), intron variant (5).
Genome position (GRCh38, 1-based): chrX:38,288,029-38,288,032, TTGT deleted on the plus strand (ACAA on the coding strand, the reverse complement: RPGR is on the minus strand); deleting any 4 consecutive bases within chrX:38,288,029-38,288,037 gives the same sequence; the c. name uses the placement nearest the transcript's 3' end. VCF-style (leftmost placement, unchanged base first): chrX-38288028-ATTGT-A. GRCh37 (hg19) VCF-style: chrX-38147281-ATTGT-A.
Other names: NM_001034853.2(RPGR):c.1582_1585del; p.Thr528fs; c.1582_1585del, p.Thr528fs (NM_000328.3); c.1579_1582del, p.Thr527fs (NM_001367245.1); c.1396_1399del, p.Thr466fs (NM_001367246.1); c.1569+2927_1569+2930del (NM_001367249.1, NM_001367250.1); c.1386+2927_1386+2930del (NM_001367251.1); c.1572+2927_1572+2930del (NM_001367247.1); and 1 more; short protein forms T466fs, T527fs, T528fs.
Identifiers: ClinVar variation 1297114 (VCV001297114.8), dbSNP rs2147203790, ClinGen allele CA2580616968.
Genomic context (GRCh38, chrX:38,288,028, plus strand): 5'-TCTTCATATTCATCACTATCATCGTTTTCAGTAAGAGCTGTATCCTGCGTCAGTTCCCCA[ATTGT>A]TTGTTGTTTCTGTAAATTTTTTGAAGTAATTATCATATGTCATACTACTATTAGTTGACA-3'